The following is an entry in ClinVar:

ClinVar aggregate classification (germline): Uncertain significance (1 of 4 stars; one submission).

Allele frequency attached by ClinVar (database versions not stated): gnomAD 0.00001; gnomAD exomes 0.00002; ESP Exome Variant Server 0.00008.
gnomAD v4.1: 30 of 1,613,820 alleles (0.0019%); highest among the groups gnomAD compares: Non-Finnish European, 0.0025%; no homozygotes.

Submission:

Labcorp Genetics (formerly Invitae), Labcorp
Classification: Uncertain significance. Last evaluated: 2022-08-16. Review status: criteria provided, single submitter. Criteria: Invitae Variant Classification Sherloc (09022015). Collection method: clinical testing. Allele origin: germline.
Comment: This sequence change replaces glutamine, which is neutral and polar, with glutamic acid, which is acidic and polar, at codon 539 of the PLK4 protein (p.Gln539Glu). This variant is not present in population databases (gnomAD no frequency). This variant has not been reported in the literature in individuals affected with PLK4-related conditions. Algorithms developed to predict the effect of missense changes on protein structure and function (SIFT, PolyPhen-2, Align-GVGD) all suggest that this variant is likely to be tolerated. Algorithms developed to predict the effect of sequence changes on RNA splicing suggest that this variant may create or strengthen a splice site. In summary, the available evidence is currently insufficient to determine the role of this variant in disease. Therefore, it has been classified as a Variant of Uncertain Significance.

NM_014264.5(PLK4):c.1615C>G (p.Gln539Glu)

Gene: PLK4 (polo like kinase 4; plus strand). Cytogenetic location: 4q28.1.
Variant type: single nucleotide variant.
Coding change: c.1615C>G on transcript NM_014264.5 (MANE Select); coding-DNA position 1615, C replaced by G.
Protein change: p.Gln539Glu; replaces glutamine 539 with glutamic acid.
Molecular consequence: missense variant.
Genome position (GRCh38, 1-based): chr4:127,890,021, C>G. VCF-style: chr4-127890021-C-G. GRCh37 (hg19) VCF-style: chr4-128811176-C-G.
Other names: c.1519C>G, p.Gln507Glu (NM_001190799.2); c.1492C>G, p.Gln498Glu (NM_001190801.2); short protein forms Q498E, Q507E, Q539E.
Identifiers: ClinVar variation 2045372 (VCV002045372.1), dbSNP rs370945153, ClinGen allele CA105639050.